The following is an entry in ClinVar:

ClinVar aggregate classification (germline): Uncertain significance. Review status: criteria provided, multiple submitters, no conflicts (2 of 4 stars). 2 submissions from 2 submitters: Uncertain significance (2). Last evaluated 2024-04-24.

Conditions:
Sotos syndrome (SOTOS). Also called: CEREBRAL GIGANTISM; Sotos' syndrome; CHROMOSOME 5q35 DELETION SYNDROME; Distinctive facial appearance, overgrowth in childhood, and learning disabilities or delayed development; SOTOS SYNDROME 1. Identifiers: Orphanet 821, MedGen C0175695, MONDO:0019349, OMIM 117550.

Allele frequency attached by ClinVar (database versions not stated): gnomAD exomes below 0.00001; TOPMed below 0.00001; gnomAD 0.00001.
gnomAD v4.1: 2 of 1,614,044 alleles (0.00012%); highest among the groups gnomAD compares: African/African-American, 0.0027%; no homozygotes.

Submissions (2):

Fulgent Genetics
Classification: Uncertain significance for Sotos syndrome. Last evaluated: 2024-04-24. Review status: criteria provided, single submitter. Criteria: ACMG Guidelines, 2015. Collection method: clinical testing. Allele origin: germline.

Labcorp Genetics (formerly Invitae), Labcorp
Classification: Uncertain significance. Last evaluated: 2022-03-23. Review status: criteria provided, single submitter. Criteria: Invitae Variant Classification Sherloc (09022015). Collection method: clinical testing. Allele origin: germline.
Comment: This sequence change replaces glycine, which is neutral and non-polar, with arginine, which is basic and polar, at codon 2557 of the NSD1 protein (p.Gly2557Arg). This variant is not present in population databases (gnomAD no frequency). This variant has not been reported in the literature in individuals affected with NSD1-related conditions. Advanced modeling of protein sequence and biophysical properties (such as structural, functional, and spatial information, amino acid conservation, physicochemical variation, residue mobility, and thermodynamic stability) performed at Invitae indicates that this missense variant is not expected to disrupt NSD1 protein function. In summary, the available evidence is currently insufficient to determine the role of this variant in disease. Therefore, it has been classified as a Variant of Uncertain Significance.

NM_022455.5(NSD1):c.7669G>A (p.Gly2557Arg)

Gene: NSD1 (nuclear receptor binding SET domain protein 1; plus strand). Cytogenetic location: 5q35.3.
Variant type: single nucleotide variant.
Coding change: c.7669G>A on transcript NM_022455.5 (MANE Select); coding-DNA position 7669, G replaced by A.
Protein change: p.Gly2557Arg; replaces glycine 2557 with arginine.
Molecular consequence: missense variant.
Genome position (GRCh38, 1-based): chr5:177,295,037, G>A. VCF-style: chr5-177295037-G-A. GRCh37 (hg19) VCF-style: chr5-176722038-G-A.
Other names: c.6796G>A, p.Gly2266Arg (NM_001365684.2, NM_001409308.1, NM_172349.5); c.7669G>A, p.Gly2557Arg (NM_001409301.1, NM_001409302.1, NM_001409303.1); c.7249G>A, p.Gly2417Arg (NM_001409304.1); c.6916G>A, p.Gly2306Arg (NM_001409305.1); c.6907G>A, p.Gly2303Arg (NM_001409306.1, NM_001409307.1); c.6547G>A, p.Gly2183Arg (NM_001409309.1); short protein forms G2266R, G2288R, G2303R, G2183R, G2306R, G2557R, G2417R.
Identifiers: ClinVar variation 1909290 (VCV001909290.6), dbSNP rs1156867352, ClinGen allele CA362333946.